The following is an entry in ClinVar:

ClinVar aggregate classification (germline): Uncertain significance (1 of 4 stars; one submission).

Conditions:
Early-infantile DEE. Also called: Ohtahara syndrome; Early infantile epileptic encephalopathy with suppression bursts; Early infantile epileptic encephalopathy. Identifiers: Orphanet 1934, MedGen C0393706, MONDO:0800491.

Allele frequency attached by ClinVar (database versions not stated): TOPMed below 0.00001; gnomAD 0.00001; ExAC 0.00002; gnomAD exomes 0.00001.
gnomAD v4.1: 9 of 1,613,458 alleles (0.00056%); highest among the groups gnomAD compares: African/African-American, 0.0027%; no homozygotes.

Submission:

Labcorp Genetics (formerly Invitae), Labcorp
Classification: Uncertain significance for Early-infantile DEE. Last evaluated: 2023-09-30. Review status: criteria provided, single submitter. Criteria: Invitae Variant Classification Sherloc (09022015). Collection method: clinical testing. Allele origin: germline.
Comment: In summary, the available evidence is currently insufficient to determine the role of this variant in disease. Therefore, it has been classified as a Variant of Uncertain Significance. An algorithm developed to predict the effect of missense changes on protein structure and function (PolyPhen-2) suggests that this variant is likely to be disruptive. This variant has not been reported in the literature in individuals affected with ARHGEF15-related conditions. This variant is present in population databases (rs750554328, gnomAD 0.004%). This sequence change replaces arginine, which is basic and polar, with glutamine, which is neutral and polar, at codon 722 of the ARHGEF15 protein (p.Arg722Gln).

NM_173728.4(ARHGEF15):c.2165G>A (p.Arg722Gln)

Gene: ARHGEF15 (Rho guanine nucleotide exchange factor 15; plus strand). Cytogenetic location: 17p13.1.
Variant type: single nucleotide variant.
Coding change: c.2165G>A on transcript NM_173728.4 (MANE Select); coding-DNA position 2165, G replaced by A.
Protein change: p.Arg722Gln; replaces arginine 722 with glutamine.
Molecular consequence: missense variant.
Genome position (GRCh38, 1-based): chr17:8,319,138, G>A. VCF-style: chr17-8319138-G-A. GRCh37 (hg19) VCF-style: chr17-8222456-G-A.
Other names: c.2165G>A, p.Arg722Gln (NM_025014.2); short protein forms R722Q.
Identifiers: ClinVar variation 2895505 (VCV002895505.3), dbSNP rs750554328, ClinGen allele CA8375432.